The following is an entry in ClinVar:

NM_000540.3(RYR1):c.14542GTC[1] (p.Val4849del)

Gene: RYR1 (ryanodine receptor 1; plus strand). Cytogenetic location: 19q13.2.
Variant type: Microsatellite.
Coding change: c.14542GTC[1] on transcript NM_000540.3 (MANE Select); one copy of the 3-base unit GTC starting at c.14542; the reference has two copies in a row; one copy, 3 bases deleted.
Protein change: p.Val4849del; deletes valine 4849.
Molecular consequence: inframe deletion.
Genome position (GRCh38, 1-based): chr19:38,580,403-38,580,405, GTC deleted; deleting any 3 consecutive bases within chr19:38,580,400-38,580,405 gives the same sequence; the position shown is the placement nearest the transcript's 3' end. VCF-style (leftmost placement, unchanged base first): chr19-38580399-GGTC-G. GRCh37 (hg19) VCF-style: chr19-39071039-GGTC-G.
Other names: c.14527GTC[1], p.Val4844del (NM_001042723.2); short protein forms V4849del, V4844del.
Identifiers: ClinVar variation 4729800 (VCV004729800.1).

ClinVar aggregate classification (germline): Pathogenic (1 of 4 stars; one submission).

Conditions:
RYR1-related disorder. Also called: RYR1-related condition; RYR1-related disorders. Identifiers: MedGen CN239331.

Submission:

Labcorp Genetics (formerly Invitae), Labcorp
Classification: Pathogenic for RYR1-related disorder. Last evaluated: 2025-10-29. Review status: criteria provided, single submitter. Criteria: Invitae Variant Classification Sherloc (09022015). Collection method: clinical testing. Allele origin: germline.
Comment: This variant, c.14545_14547del, results in the deletion of 1 amino acid(s) of the RYR1 protein (p.Val4849del), but otherwise preserves the integrity of the reading frame. This variant is not present in population databases (gnomAD no frequency). This variant has not been reported in the literature in individuals affected with RYR1-related conditions. This variant disrupts a region of the RYR1 protein in which other variant(s) (p.Val4849Ile) have been determined to be pathogenic (PMID: 12136074, 22473935, 28818389). This suggests that this is a clinically significant region of the protein, and that variants that disrupt it are likely to be disease-causing. For these reasons, this variant has been classified as Pathogenic.

Literature cited by the submitters: PubMed 12136074; PubMed 22473935; PubMed 28818389.